The following is an entry in ClinVar:

ClinVar aggregate classification (germline): Uncertain significance (1 of 4 stars; one submission).

Conditions:
Familial cancer of breast. Also called: hereditary breast carcinoma; BREAST CANCER, FAMILIAL; Hereditary breast cancer. Identifiers: Orphanet 227535, MedGen C0346153, MONDO:0016419, OMIM 114480. Disease mechanism: loss of function.

Submission:

Labcorp Genetics (formerly Invitae), Labcorp
Classification: Uncertain significance for Familial cancer of breast. Last evaluated: 2024-06-09. Review status: criteria provided, single submitter. Criteria: Invitae Variant Classification Sherloc (09022015). Collection method: clinical testing. Allele origin: germline.
Comment: This sequence change falls in intron 3 of the PALB2 gene. It does not directly change the encoded amino acid sequence of the PALB2 protein. Information on the frequency of this variant in the gnomAD database is not available, as this variant may be reported differently in the database. This variant has not been reported in the literature in individuals affected with PALB2-related conditions. Experimental studies and prediction algorithms are not available or were not evaluated, and the effect of this variant on mRNA splicing is currently unknown. In summary, the available evidence is currently insufficient to determine the role of this variant in disease. Therefore, it has been classified as a Variant of Uncertain Significance.

NM_024675.4(PALB2):c.211+12_211+13delinsTT

Gene: PALB2 (partner and localizer of BRCA2; minus strand). Cytogenetic location: 16p12.2.
Variant type: Indel.
Coding change: c.211+12_211+13delinsTT on transcript NM_024675.4 (MANE Select); bases 12 to 13 of the intron after coding-DNA position 211, CC replaced by TT.
Molecular consequence: intron variant.
Genome position (GRCh38, 1-based): chr16:23,637,837-23,637,838, GG replaced by AA on the plus strand (CC replaced by TT on the coding strand, the reverse complement: PALB2 is on the minus strand). VCF-style: chr16-23637837-GG-AA. GRCh37 (hg19) VCF-style: chr16-23649158-GG-AA.
Other names: c.-675+12_-675+13delinsTT (NM_001407308.1, NM_001407306.1, NM_001407307.1 and 5 more transcripts); c.48+3272_48+3273delinsTT (NM_001407314.1); c.-105+3272_-105+3273delinsTT (NM_001407313.1, NM_001407312.1); c.151+12_151+13delinsTT (NM_001407296.1); c.211+12_211+13delinsTT (NM_001407297.1, NM_001407302.1, NM_001407298.1 and 3 more transcripts).
Identifiers: ClinVar variation 3655957 (VCV003655957.2).
Genomic context (GRCh38, chr16:23,637,837, plus strand): 5'-AAAAAGAACAATAGCCAAAATATACCTGGGAAATGAATAATAAAGCAGGCATAAGTGAAT[GG>AA]TCTAGATTTACCTGAGTGTTTTAGCTGCGGTGAGAGATCCTGCTGAGACAAACAATCTTG-3'